The following is an entry in ClinVar:

ClinVar aggregate classification (germline): Likely benign. Review status: criteria provided, single submitter (1 of 4 stars). 2 submissions from 2 submitters: Likely benign (1). 1 of the submissions does not count toward it. Last evaluated 2023-10-05.

Conditions:
Ulnar-mammary syndrome (UMS). Also called: PALLISTER ULNAR-MAMMARY SYNDROME; SCHINZEL SYNDROME; Ulnar-mammary syndrome of Pallister. Identifiers: Orphanet 3138, MedGen C1866994, MONDO:0008411, OMIM 181450.
TBX3-related disorder. Also called: TBX3-related condition.

Allele frequency attached by ClinVar (database versions not stated): gnomAD 0.00001; gnomAD exomes 0.00001; TOPMed 0.00001.
gnomAD v4.1: 11 of 1,614,012 alleles (0.00068%); highest among the groups gnomAD compares: Non-Finnish European, 0.00093%; no homozygotes.

Submissions (2):

Labcorp Genetics (formerly Invitae), Labcorp
Classification: Likely benign for Ulnar-mammary syndrome. Last evaluated: 2023-10-05. Review status: criteria provided, single submitter. Criteria: Invitae Variant Classification Sherloc (09022015). Collection method: clinical testing. Allele origin: germline.

PreventionGenetics, part of Exact Sciences
Classification: Likely benign for TBX3-related condition. Last evaluated: 2022-05-29. Review status: no assertion criteria provided. Collection method: clinical testing. Allele origin: germline. Not counted in ClinVar's aggregate classification.
Comment: This variant is classified as likely benign based on ACMG/AMP sequence variant interpretation guidelines (Richards et al. 2015 PMID: 25741868, with internal and published modifications).

NM_005996.4(TBX3):c.627C>G (p.Leu209=)

Gene: TBX3 (T-box transcription factor 3; minus strand). Cytogenetic location: 12q24.21.
Variant type: single nucleotide variant.
Coding change: c.627C>G on transcript NM_005996.4 (MANE Select); coding-DNA position 627, C replaced by G.
Protein change: p.Leu209=; no amino-acid change (leucine 209 retained).
Molecular consequence: synonymous variant.
Genome position (GRCh38, 1-based): chr12:114,680,909, G>C on the plus strand (C>G on the coding strand, the complement: TBX3 is on the minus strand). VCF-style: chr12-114680909-G-C. GRCh37 (hg19) VCF-style: chr12-115118714-G-C.
Other names: c.627C>G (NM_016569.3); c.627C>G, p.Leu209= (NM_016569.4).
Identifiers: ClinVar variation 2882174 (VCV002882174.4), dbSNP rs1486776425, ClinGen allele CA481933216.